The following is an entry in ClinVar:

NM_001372044.2(SHANK3):c.3343C>T (p.Pro1115Ser)

Gene: SHANK3 (SH3 and multiple ankyrin repeat domains 3; plus strand). Cytogenetic location: 22q13.33.
Variant type: single nucleotide variant.
Coding change: c.3343C>T on transcript NM_001372044.2 (MANE Select); coding-DNA position 3343, C replaced by T.
Protein change: p.Pro1115Ser; replaces proline 1115 with serine.
Molecular consequence: missense variant.
Genome position (GRCh38, 1-based): chr22:50,720,951, C>T. VCF-style: chr22-50720951-C-T. GRCh37 (hg19) VCF-style: chr22-51159379-C-T.
Other names: c.3118C>T, p.Pro1040Ser (NM_033517.1); short protein forms P1040S, P1115S.
Identifiers: ClinVar variation 588766 (VCV000588766.5), dbSNP rs762947232, ClinGen allele CA10325958.
Genomic context (GRCh38, chr22:50,720,951, plus strand): 5'-CTGGAGGAGCGGCGCCGCTCCACTGTGTTCCTGTCCGTGGGGGCCATCGAGGGCAGCGCC[C>T]CCGGCGCGGATCTGCCATCCCTACAGCCCTCCCGCTCCATCGACGAGCGCCTCCTGGGGA-3'
Protein context (NP_001358973.1, residues 1105-1125): LSVGAIEGSA[Pro1115Ser]GADLPSLQPS

ClinVar aggregate classification (germline): Uncertain significance (1 of 4 stars; one submission).

Conditions:
Inborn genetic diseases. Identifiers: MedGen C0950123, MeSH D030342.

Allele frequency attached by ClinVar (database versions not stated): TOPMed below 0.00001; ExAC 0.00001; gnomAD 0.00001; gnomAD exomes 0.00002.

Submission:

Ambry Genetics
Classification: Uncertain significance for Inborn genetic diseases. Last evaluated: 2017-02-11. Review status: criteria provided, single submitter. Criteria: Ambry Variant Classification Scheme 2023. Collection method: clinical testing. Allele origin: germline.
Comment: The p.P1040S variant (also known as c.3118C>T), located in coding exon 21 of the SHANK3 gene, results from a C to T substitution at nucleotide position 3118. The proline at codon 1040 is replaced by serine, an amino acid with similar properties. This amino acid position is highly conserved in available vertebrate species. Since supporting evidence is limited at this time, the clinical significance of this alteration remains unclear.